The following is an entry in ClinVar:

NM_015338.6(ASXL1):c.203A>G (p.Glu68Gly)

Gene: ASXL1 (ASXL transcriptional regulator 1; plus strand). Cytogenetic location: 20q11.21.
Variant type: single nucleotide variant.
Coding change: c.203A>G on transcript NM_015338.6 (MANE Select); coding-DNA position 203, A replaced by G.
Protein change: p.Glu68Gly; replaces glutamic acid 68 with glycine.
Molecular consequence: missense variant.
Genome position (GRCh38, 1-based): chr20:32,369,074, A>G. VCF-style: chr20-32369074-A-G. GRCh37 (hg19) VCF-style: chr20-30956877-A-G.
Other names: c.203A>G, p.Glu68Gly (NM_001164603.1); c.173A>G, p.Glu58Gly (NM_001363734.1); short protein forms E58G, E68G.
Identifiers: ClinVar variation 1318857 (VCV001318857.3), dbSNP rs1214819445, ClinGen allele CA408579680.
Genomic context (GRCh38, chr20:32,369,074, plus strand): 5'-GTGGGACTTCCCCTCTCGCATGCCTCAATGCTATGCTACATTCCAATTCAAGAGGAGGAG[A>G]GGGGTTGTTTTATAAACTGCCTGGCCGAATCAGCCTTTTCACGCTCAAGGTAAGTGATAT-3'
Protein context (NP_056153.2, residues 58-78): AMLHSNSRGG[Glu68Gly]GLFYKLPGRI

ClinVar aggregate classification (germline): Uncertain significance. Review status: criteria provided, multiple submitters, no conflicts (2 of 4 stars). 2 submissions from 2 submitters: Uncertain significance (2). Last evaluated 2025-08-02.

Conditions:
Inborn genetic diseases. Identifiers: MedGen C0950123, MeSH D030342.

Allele frequency attached by ClinVar (database versions not stated): gnomAD 0.00001; TOPMed 0.00002.
gnomAD v4.1: 1 of 1,613,838 alleles (0.000062%); highest among the groups gnomAD compares: African/African-American, 0.0013%; no homozygotes.

Submissions (2):

Ambry Genetics
Classification: Uncertain significance for Inborn genetic diseases. Last evaluated: 2025-08-02. Review status: criteria provided, single submitter. Criteria: Ambry Variant Classification Scheme 2023. Collection method: clinical testing. Allele origin: germline.
Comment: The p.E68G variant (also known as c.203A>G), located in coding exon 4 of the ASXL1 gene, results from an A to G substitution at nucleotide position 203. The glutamic acid at codon 68 is replaced by glycine, an amino acid with similar properties. This amino acid position is conserved. In addition, this alteration is predicted to be tolerated by in silico analysis. Based on the available evidence, the clinical significance of this variant remains unclear.

GeneDx
Classification: Uncertain significance. Last evaluated: 2019-08-19. Review status: criteria provided, single submitter. Criteria: GeneDx Variant Classification Process June 2021. Collection method: clinical testing. Allele origin: germline. Affected: yes.
Comment: Not observed in large population cohorts (Lek et al., 2016); In silico analysis, which includes protein predictors and evolutionary conservation, supports a deleterious effect; Has not been previously published as pathogenic or benign to our knowledge